The following is an entry in ClinVar:

ClinVar aggregate classification (germline): Benign/Likely benign. Review status: criteria provided, multiple submitters, no conflicts (2 of 4 stars). 24 submissions from 23 submitters: Benign (13); Likely benign (7). 4 of the submissions do not count toward it. Last evaluated 2026-08-01.

Conditions:
Hereditary cancer-predisposing syndrome. Also called: Hereditary neoplastic syndrome; Tumor predisposition; Neoplastic Syndromes, Hereditary; Hereditary Cancer Syndrome. Identifiers: Orphanet 140162, MedGen C0027672, MeSH D009386, MONDO:0015356.
Pheochromocytoma. Also called: MAX-Related Hereditary Paraganglioma-Pheochromocytoma Syndrome. Identifiers: Orphanet 29072, MedGen C0031511, MONDO:0008233, OMIM 171300, HP:0002666.
Pheochromocytoma/paraganglioma syndrome 4. Also called: CAROTID BODY TUMORS AND MULTIPLE EXTRAADRENAL PHEOCHROMOCYTOMAS; PARAGANGLIOMA, FAMILIAL MALIGNANT; PARAGANGLIOMAS, HEREDITARY EXTRAADRENAL; PHEOCHROMOCYTOMA, FAMILIAL EXTRAADRENAL; SDHB-Related Hereditary Paraganglioma-Pheochromocytoma Syndrome (Paragangliomas 4); SDHB-Related Hereditary Paraganglioma-Pheochromocytoma Syndrome. Identifiers: Orphanet 29072, MedGen C1861848, MONDO:0007273, OMIM 115310.
Gastrointestinal stromal tumor. Also called: Gastrointestinal stromal tumor, somatic; Gastrointestinal stroma tumor. Identifiers: Orphanet 44890, MedGen C0238198, MeSH D046152, MONDO:0011719, OMIM 606764, HP:0100723.
Hereditary pheochromocytoma and paraganglioma. Also called: Hereditary pheochromocytoma-paraganglioma; Hereditary paragangliomas and pheochromocytomas; Hereditary Paraganglioma-Pheochromocytoma Syndromes. Identifiers: Orphanet 29072, MedGen C4274332, MONDO:0017366.
Carney-Stratakis syndrome. Also called: PARAGANGLIOMA AND GASTROINTESTINAL STROMAL TUMOR. Identifiers: Orphanet 97286, MedGen C1847319, MONDO:0011740, OMIM 606864.

Allele frequency attached by ClinVar (database versions not stated): 1000 Genomes Project 0.00120; 1000 Genomes Project 30x 0.00125; TOPMed 0.00337; ExAC 0.00430; gnomAD exomes 0.00430 and 0.00574; gnomAD 0.00442 and 0.00461; ESP Exome Variant Server 0.00546.
gnomAD v4.1: 8,934 of 1,612,708 alleles (0.55%); highest among the groups gnomAD compares: Non-Finnish European, 0.65%; 31 homozygotes.

Submissions (24):

CeGaT Center for Human Genetics Tuebingen
Classification: Likely benign. Last evaluated: 2026-08-01. Review status: criteria provided, single submitter. Criteria: CeGaT Center For Human Genetics Tuebingen Variant Classification Criteria Version 2. Collection method: clinical testing. Allele origin: germline. Affected: yes. Observed: 85 variant alleles.
Comment: SDHB: BP4, BS2

Labcorp Genetics (formerly Invitae), Labcorp
Classification: Benign for Gastrointestinal stromal tumor; Pheochromocytoma/paraganglioma syndrome 4; Pheochromocytoma. Last evaluated: 2026-02-04. Review status: criteria provided, single submitter. Criteria: Invitae Variant Classification Sherloc (09022015). Collection method: clinical testing. Allele origin: germline.

ARUP Laboratories, Molecular Genetics and Genomics, ARUP Laboratories
Classification: Benign. Last evaluated: 2025-05-29. Review status: criteria provided, single submitter. Criteria: ARUP Molecular Germline Variant Investigation Process 2024. Collection method: clinical testing. Allele origin: germline.

Myriad Genetics, Inc.
Classification: Benign for Pheochromocytoma/paraganglioma syndrome 4. Last evaluated: 2025-03-12. Review status: criteria provided, single submitter. Criteria: Myriad Autosomal Dominant, Autosomal Recessive and X-Linked Classification Criteria (2023). Collection method: clinical testing. Allele origin: unknown.
Comment: This variant is considered benign. This variant is a silent/synonymous amino acid change and it is not expected to impact splicing.

Center for Genomic Medicine, Rigshospitalet, Copenhagen University Hospital
Classification: Likely benign. Last evaluated: 2025-03-04. Review status: criteria provided, single submitter. Criteria: ACMG Guidelines, 2015. Collection method: clinical testing. Allele origin: germline.

Quest Diagnostics Nichols Institute San Juan Capistrano
Classification: Benign. Last evaluated: 2025-02-27. Review status: criteria provided, single submitter. Criteria: Quest Diagnostics criteria. Collection method: clinical testing. Allele origin: unknown.

KCCC/NGS Laboratory, Kuwait Cancer Control Center
Classification: Benign for Pheochromocytoma/paraganglioma syndrome 4. Last evaluated: 2025-02-01. Review status: criteria provided, single submitter. Criteria: ACMG Guidelines, 2015. Collection method: clinical testing. Allele origin: germline. Affected: no.

Blueprint Genetics
Classification: Likely benign. Last evaluated: 2024-11-06. Review status: criteria provided, single submitter. Criteria: ACMG Guidelines, 2015. Collection method: clinical testing. Allele origin: germline.

Mayo Clinic Laboratories, Mayo Clinic
Classification: Benign. Last evaluated: 2024-03-26. Review status: criteria provided, single submitter. Criteria: ACMG Guidelines, 2015. Collection method: clinical testing. Allele origin: germline. Observed: 9 variant alleles.
Comment: BS1, BS2, BP4, BP7

Color Diagnostics, LLC DBA Color Health
Classification: Benign for Hereditary pheochromocytoma and paraganglioma. Last evaluated: 2022-09-20. Review status: criteria provided, single submitter. Criteria: ACMG Guidelines, 2015. Collection method: clinical testing. Allele origin: germline.

Institute for Clinical Genetics, University Hospital TU Dresden, University Hospital TU Dresden
Classification: Likely benign. Last evaluated: 2021-11-03. Review status: criteria provided, single submitter. Criteria: ACMG Guidelines, 2015. Collection method: clinical testing. Allele origin: germline.

Department of Pathology and Laboratory Medicine, Sinai Health System
Classification: Benign for Gastrointestinal stromal tumor. Last evaluated: 2021-08-10. Review status: criteria provided, single submitter. Criteria: ACMG Guidelines, 2015. Collection method: clinical testing. Allele origin: germline. Affected: yes.

Genetic Services Laboratory, University of Chicago
Classification: Benign. Last evaluated: 2018-01-25. Review status: criteria provided, single submitter. Criteria: ACMG Guidelines, 2015. Collection method: clinical testing. Allele origin: germline. Affected: no.

Illumina Laboratory Services, Illumina
Classification: Benign for Hereditary Paraganglioma-Pheochromocytoma Syndromes. Last evaluated: 2018-01-13. Review status: criteria provided, single submitter. Criteria: ICSL Variant Classification Criteria 13 December 2019. Collection method: clinical testing. Allele origin: germline.
Comment: This variant was observed in the ICSL laboratory as part of a predisposition screen in an ostensibly healthy population. It had not been previously curated by ICSL or reported in the Human Gene Mutation Database (HGMD: prior to June 1st, 2018), and was therefore a candidate for classification through an automated scoring system. Utilizing variant allele frequency, disease prevalence and penetrance estimates, and inheritance mode, an automated score was calculated to assess if this variant is too frequent to cause the disease. Based on the score and internal cut-off values, a variant classified as benign is not then subjected to further curation. The score for this variant resulted in a classification of benign for this disease.

Illumina Laboratory Services, Illumina
Classification: Benign for Carney-Stratakis syndrome. Last evaluated: 2018-01-13. Review status: criteria provided, single submitter. Criteria: ICSL Variant Classification Criteria 13 December 2019. Collection method: clinical testing. Allele origin: germline.
Comment: the same text as in the submission from Illumina Laboratory Services, Illumina above.

GeneDx
Classification: Benign. Last evaluated: 2015-03-03. Review status: criteria provided, single submitter. Criteria: GeneDx Variant Classification Process June 2021. Collection method: clinical testing. Allele origin: germline. Affected: yes.

Eurofins Ntd Llc (ga)
Classification: Likely benign. Last evaluated: 2014-11-06. Review status: criteria provided, single submitter. Criteria: EGL Classification Definitions 2015. Collection method: clinical testing. Allele origin: germline. Observed: 1 variant allele, 1 heterozygote.

Ambry Genetics
Classification: Likely benign for Hereditary cancer-predisposing syndrome. Last evaluated: 2014-08-03. Review status: criteria provided, single submitter. Criteria: Ambry Variant Classification Scheme 2023. Collection method: clinical testing. Allele origin: germline.

Breakthrough Genomics
Classification: Likely benign. Review status: criteria provided, single submitter. Criteria: ACMG Guidelines, 2015. Collection method: not provided. Allele origin: germline. Inheritance: Autosomal recessive inheritance. Affected: yes.

PreventionGenetics, part of Exact Sciences
Classification: Benign. Review status: criteria provided, single submitter. Criteria: ACMG Guidelines, 2015. Collection method: clinical testing. Allele origin: germline.

Clinical Genetics DNA and cytogenetics Diagnostics Lab, Erasmus MC, Erasmus Medical Center
Classification: Likely benign. Review status: no assertion criteria provided. Collection method: clinical testing. Allele origin: germline. Affected: yes. Study: VKGL Data-share Consensus. Not counted in ClinVar's aggregate classification.

Genome Diagnostics Laboratory, Amsterdam University Medical Center
Classification: Benign. Review status: no assertion criteria provided. Collection method: clinical testing. Allele origin: germline. Affected: yes. Study: VKGL Data-share Consensus. Not counted in ClinVar's aggregate classification.

Joint Genome Diagnostic Labs from Nijmegen and Maastricht, Radboudumc and MUMC+
Classification: Benign. Review status: no assertion criteria provided. Collection method: clinical testing. Allele origin: germline. Affected: yes. Study: VKGL Data-share Consensus. Not counted in ClinVar's aggregate classification.

Laboratory of Diagnostic Genome Analysis, Leiden University Medical Center (LUMC)
Classification: Likely benign. Review status: no assertion criteria provided. Collection method: clinical testing. Allele origin: germline. Affected: yes. Study: VKGL Data-share Consensus. Not counted in ClinVar's aggregate classification.

Literature cited by the submitters: PubMed 16405730 (cited by Eurofins Ntd Llc (ga)).

NM_003000.3(SDHB):c.24C>T (p.Ser8=)

Gene: SDHB (succinate dehydrogenase complex iron sulfur subunit B; minus strand). Cytogenetic location: 1p36.13.
Variant type: single nucleotide variant.
Coding change: c.24C>T on transcript NM_003000.3 (MANE Select); coding-DNA position 24, C replaced by T.
Protein change: p.Ser8=; no amino-acid change (serine 8 retained).
Molecular consequence: synonymous variant.
Genome position (GRCh38, 1-based): chr1:17,053,996, G>A on the plus strand (C>T on the coding strand, the complement: SDHB is on the minus strand). VCF-style: chr1-17053996-G-A. GRCh37 (hg19) VCF-style: chr1-17380491-G-A.
Other names: p.Ser8=.
Identifiers: ClinVar variation 184192 (VCV000184192.90), dbSNP rs148738139, ClinGen allele CA015618.
Genomic context (GRCh38, chr1:17,053,996, plus strand): 5'-TCCAGGACTCACCTGCAGGCAGGCTCCGCCAAGGGTTGTGGCCGGCAACCGGCGCCTCAA[G>A]GAGAGGGCGACCACCGCCGCCATCTTGGCTCCTGACGTCAGCCCCACCCCTTAACCCCGA-3'
Protein context (NP_002991.2, residues 1-18): MAAVVAL[Ser8=]LRRRLPATTL